The following is an entry in ClinVar:

NM_000548.5(TSC2):c.2632C>G (p.Pro878Ala)

Gene: TSC2 (TSC complex subunit 2; plus strand). Cytogenetic location: 16p13.3.
Variant type: single nucleotide variant.
Coding change: c.2632C>G on transcript NM_000548.5 (MANE Select); coding-DNA position 2632, C replaced by G.
Protein change: p.Pro878Ala; replaces proline 878 with alanine.
Molecular consequence: missense variant.
Genome position (GRCh38, 1-based): chr16:2,075,885, C>G. VCF-style: chr16-2075885-C-G. GRCh37 (hg19) VCF-style: chr16-2125886-C-G.
Other names: c.2632C>G, p.Pro878Ala (NM_001077183.3, NM_001114382.3, NM_001363528.2 and 3 more transcripts); c.2521C>G, p.Pro841Ala (NM_001318827.2); c.2485C>G, p.Pro829Ala (NM_001318829.2); c.2032C>G, p.Pro678Ala (NM_001318831.2); c.2665C>G, p.Pro889Ala (NM_001318832.2); short protein forms P889A, P678A, P829A, P841A, P878A.
Identifiers: ClinVar variation 864733 (VCV000864733.33), dbSNP rs397515077, ClinGen allele CA276741564.

ClinVar aggregate classification (germline): Conflicting classifications of pathogenicity. Review status: criteria provided, conflicting classifications (1 of 4 stars). 3 submissions from 3 submitters: Uncertain significance (2); Benign (1). Last evaluated 2024-07-14.

Conditions:
Tuberous sclerosis 2 (TSC2). Identifiers: Orphanet 805, MedGen C1860707, MONDO:0013199, OMIM 613254.
Hereditary cancer-predisposing syndrome. Also called: Hereditary Cancer Syndrome; Neoplastic Syndromes, Hereditary; Tumor predisposition; Hereditary neoplastic syndrome. Identifiers: Orphanet 140162, MedGen C0027672, MeSH D009386, MONDO:0015356.

gnomAD v4.1: 2 of 1,613,220 alleles (0.00012%); highest among the groups gnomAD compares: Non-Finnish European, 0.00017%; no homozygotes.

Submissions (3):

Labcorp Genetics (formerly Invitae), Labcorp
Classification: Benign for Tuberous sclerosis 2. Last evaluated: 2024-07-14. Review status: criteria provided, single submitter. Criteria: Invitae Variant Classification Sherloc (09022015). Collection method: clinical testing. Allele origin: germline.

CeGaT Center for Human Genetics Tuebingen
Classification: Uncertain significance. Last evaluated: 2024-03-01. Review status: criteria provided, single submitter. Criteria: CeGaT Center For Human Genetics Tuebingen Variant Classification Criteria Version 2. Collection method: clinical testing. Allele origin: germline. Affected: yes. Observed: 1 variant allele.
Comment: TSC2: PM2, PP3

Ambry Genetics
Classification: Uncertain significance for Hereditary cancer-predisposing syndrome. Last evaluated: 2024-02-22. Review status: criteria provided, single submitter. Criteria: Ambry Variant Classification Scheme 2023. Collection method: clinical testing. Allele origin: germline.
Comment: The p.P878A variant (also known as c.2632C>G), located in coding exon 22 of the TSC2 gene, results from a C to G substitution at nucleotide position 2632. The proline at codon 878 is replaced by alanine, an amino acid with highly similar properties. This amino acid position is highly conserved in available vertebrate species. In addition, this alteration is predicted to be deleterious by in silico analysis. Since supporting evidence is limited at this time, the clinical significance of this alteration remains unclear.